The following is an entry in ClinVar:

ClinVar aggregate classification (germline): Uncertain significance. Review status: criteria provided, multiple submitters, no conflicts (2 of 4 stars). 4 submissions from 4 submitters: Uncertain significance (4). Last evaluated 2025-11-01.

Conditions:
Cardiovascular phenotype. Identifiers: MedGen CN230736.
Hereditary cancer-predisposing syndrome. Also called: Hereditary Cancer Syndrome; Tumor predisposition; Neoplastic Syndromes, Hereditary; Hereditary neoplastic syndrome. Identifiers: Orphanet 140162, MedGen C0027672, MeSH D009386, MONDO:0015356.

Allele frequency attached by ClinVar (database versions not stated): ExAC 0.00001; gnomAD exomes 0.00001; TOPMed 0.00001.
gnomAD v4.1: 4 of 1,612,488 alleles (0.00025%); highest among the groups gnomAD compares: Admixed American, 0.0033%; no homozygotes.

Submissions (4):

CeGaT Center for Human Genetics Tuebingen
Classification: Uncertain significance. Last evaluated: 2025-11-01. Review status: criteria provided, single submitter. Criteria: CeGaT Center For Human Genetics Tuebingen Variant Classification Criteria Version 2. Collection method: clinical testing. Allele origin: germline. Affected: yes. Observed: 1 variant allele.
Comment: LZTR1: PM2

Ambry Genetics
Classification: Uncertain significance for Cardiovascular phenotype; Hereditary cancer-predisposing syndrome. Last evaluated: 2025-04-18. Review status: criteria provided, single submitter. Criteria: Ambry Variant Classification Scheme 2023. Collection method: clinical testing. Allele origin: germline.
Comment: The p.I625T variant (also known as c.1874T>C), located in coding exon 16 of the LZTR1 gene, results from a T to C substitution at nucleotide position 1874. The isoleucine at codon 625 is replaced by threonine, an amino acid with similar properties. This amino acid position is conserved. In addition, this alteration is predicted to be deleterious by in silico analysis. Since supporting evidence is limited at this time, the clinical significance of this alteration remains unclear.

Labcorp Genetics (formerly Invitae), Labcorp
Classification: Uncertain significance. Last evaluated: 2024-03-25. Review status: criteria provided, single submitter. Criteria: Invitae Variant Classification Sherloc (09022015). Collection method: clinical testing. Allele origin: germline.
Comment: This sequence change replaces isoleucine, which is neutral and non-polar, with threonine, which is neutral and polar, at codon 625 of the LZTR1 protein (p.Ile625Thr). This variant is present in population databases (rs757928335, gnomAD 0.006%). This variant has not been reported in the literature in individuals affected with LZTR1-related conditions. ClinVar contains an entry for this variant (Variation ID: 546215). Advanced modeling of protein sequence and biophysical properties (such as structural, functional, and spatial information, amino acid conservation, physicochemical variation, residue mobility, and thermodynamic stability) performed at Invitae indicates that this missense variant is not expected to disrupt LZTR1 protein function with a negative predictive value of 80%. In summary, the available evidence is currently insufficient to determine the role of this variant in disease. Therefore, it has been classified as a Variant of Uncertain Significance.

GeneDx
Classification: Uncertain significance. Last evaluated: 2018-05-15. Review status: criteria provided, single submitter. Criteria: GeneDx Variant Classification (06012015). Collection method: clinical testing. Allele origin: germline. Affected: yes.
Comment: The I625T variant in the LZTR1 gene has not been reported previously as a pathogenic variant, nor as a benign variant, to our knowledge. The I625T variant is observed in 2/33,576 (0.006%) alleles from individuals of Latino background in large population cohorts (Lek et al., 2016). The I625T variant is a non-conservative amino acid substitution, which is likely to impact secondary protein structure as these residues differ in polarity, charge, size and/or other properties. In-silico analyses, including protein predictors and evolutionary conservation, support a deleterious effect. We interpret I625T as a variant of uncertain significance.

NM_006767.4(LZTR1):c.1874T>C (p.Ile625Thr)

Gene: LZTR1 (leucine zipper like post translational regulator 1; plus strand). Cytogenetic location: 22q11.21.
Variant type: single nucleotide variant.
Coding change: c.1874T>C on transcript NM_006767.4 (MANE Select); coding-DNA position 1874, T replaced by C.
Protein change: p.Ile625Thr; replaces isoleucine 625 with threonine.
Molecular consequence: missense variant.
Genome position (GRCh38, 1-based): chr22:20,994,958, T>C. VCF-style: chr22-20994958-T-C. GRCh37 (hg19) VCF-style: chr22-21349247-T-C.
Other names: short protein forms I625T.
Identifiers: ClinVar variation 546215 (VCV000546215.15), dbSNP rs757928335, ClinGen allele CA10119094.